The following is an entry in ClinVar:

NM_001267550.2(TTN):c.22968C>T (p.Asn7656=)

Gene: TTN (titin; minus strand). Cytogenetic location: 2q31.2.
Variant type: single nucleotide variant.
Coding change: c.22968C>T on transcript NM_001267550.2 (MANE Select); coding-DNA position 22968, C replaced by T.
Protein change: p.Asn7656=; no amino-acid change (asparagine 7656 retained).
Molecular consequence: synonymous variant. On other transcripts: intron variant (3).
Genome position (GRCh38, 1-based): chr2:178,721,051, G>A on the plus strand (C>T on the coding strand, the complement: TTN is on the minus strand). VCF-style: chr2-178721051-G-A. GRCh37 (hg19) VCF-style: chr2-179585778-G-A.
Other names: p.N7339N:AAC>AAT; p.Asn6412=; c.19236C>T, p.Asn6412= (NM_133378.4); c.13282+17031C>T (NM_003319.4); c.13858+17031C>T (NM_133437.4); c.13657+17031C>T (NM_133432.3); c.22017C>T, p.Asn7339= (NM_001256850.1).
Identifiers: ClinVar variation 46707 (VCV000046707.48), dbSNP rs201904848, ClinGen allele CA282840.

ClinVar aggregate classification (germline): Conflicting classifications of pathogenicity. Review status: criteria provided, conflicting classifications (1 of 4 stars). 14 submissions from 10 submitters: Uncertain significance (4); Benign (2); Likely benign (8). Last evaluated 2026-02-01.

Conditions:
TTN-related disorder. Also called: TTN-related disorders; TTN-related condition; TTN-related disease.
Dilated cardiomyopathy 1G (CMD1G). Identifiers: Orphanet 154, MedGen C1858763, MONDO:0011400, OMIM 604145.
Autosomal recessive limb-girdle muscular dystrophy type 2J (LGMDR10). Also called: MUSCULAR DYSTROPHY, LIMB-GIRDLE, AUTOSOMAL RECESSIVE 10; Limb-girdle muscular dystrophy, type 2J. Identifiers: Orphanet 140922, MedGen C1837342, MONDO:0012127, OMIM 608807.
Myopathy, myofibrillar, 9, with early respiratory failure (MFM9). Also called: Myopathy, distal, with early respiratory failure, autosomal dominant; Hereditary myopathy with early respiratory failure; MYOPATHY, PROXIMAL, WITH EARLY RESPIRATORY MUSCLE INVOLVEMENT; EDSTROM MYOPATHY. Identifiers: Orphanet 178464, Orphanet 34521, MedGen C1863599, MONDO:0011362, OMIM 603689.
Early-onset myopathy with fatal cardiomyopathy (CMYO5). Also called: CONGENITAL MYOPATHY 5 WITH CARDIOMYOPATHY; Salih Myopathy. Identifiers: Orphanet 289377, MedGen C2673677, MONDO:0012714, OMIM 611705. Disease mechanism: loss of function.
Tibial muscular dystrophy (TMD). Also called: Udd Distal Myopathy – Tibial Muscular Dystrophy; Tibial muscular dystrophy, tardive; UDD MYOPATHY. Identifiers: Orphanet 609, MedGen C1838244, MONDO:0010870, OMIM 600334.

Allele frequency attached by ClinVar (database versions not stated): gnomAD exomes 0.00008; gnomAD 0.00009; ESP Exome Variant Server 0.00016; ExAC 0.00007; TOPMed 0.00009.
gnomAD v4.1: 159 of 1,613,252 alleles (0.0099%); highest among the groups gnomAD compares: Non-Finnish European, 0.013%; no homozygotes.

Submissions (14):

CeGaT Center for Human Genetics Tuebingen
Classification: Likely benign. Last evaluated: 2026-02-01. Review status: criteria provided, single submitter. Criteria: CeGaT Center For Human Genetics Tuebingen Variant Classification Criteria Version 2. Collection method: clinical testing. Allele origin: germline. Affected: yes. Observed: 3 variant alleles.
Comment: TTN: BP4, BP7

Labcorp Genetics (formerly Invitae), Labcorp
Classification: Likely benign for Dilated cardiomyopathy 1G; Autosomal recessive limb-girdle muscular dystrophy type 2J. Last evaluated: 2026-01-12. Review status: criteria provided, single submitter. Criteria: Invitae Variant Classification Sherloc (09022015). Collection method: clinical testing. Allele origin: germline.

Mayo Clinic Laboratories, Mayo Clinic
Classification: Likely benign. Last evaluated: 2025-09-11. Review status: criteria provided, single submitter. Criteria: ACMG Guidelines, 2015. Collection method: clinical testing. Allele origin: germline. Observed: 2 variant alleles.
Comment: BP4, BP7

PreventionGenetics, part of Exact Sciences
Classification: Likely benign for TTN-related condition. Last evaluated: 2025-07-25. Review status: criteria provided, single submitter. Criteria: ACMG Guidelines, 2015. Collection method: clinical testing. Allele origin: germline.
Comment: This variant is classified as likely benign based on ACMG/AMP sequence variant interpretation guidelines (Richards et al. 2015 PMID: 25741868, with internal and published modifications).

Laboratory of Genetics, Children's Clinical University Hospital Latvia
Classification: Likely benign. Last evaluated: 2025-02-16. Review status: criteria provided, single submitter. Criteria: ACMG Guidelines, 2015. Collection method: clinical testing. Allele origin: germline. Affected: yes.

Blueprint Genetics
Classification: Likely benign. Last evaluated: 2024-09-30. Review status: criteria provided, single submitter. Criteria: ACMG Guidelines, 2015. Collection method: clinical testing. Allele origin: germline.

Revvity Omics, Revvity
Classification: Uncertain significance. Last evaluated: 2023-07-14. Review status: criteria provided, single submitter. Criteria: ACMG Guidelines, 2015. Collection method: clinical testing. Allele origin: germline.

Illumina Laboratory Services, Illumina
Classification: Uncertain significance for Early-onset myopathy with fatal cardiomyopathy. Last evaluated: 2018-01-12. Review status: criteria provided, single submitter. Criteria: ICSL Variant Classification Criteria 13 December 2019. Collection method: clinical testing. Allele origin: germline.

Illumina Laboratory Services, Illumina
Classification: Uncertain significance for Dilated cardiomyopathy 1G. Last evaluated: 2018-01-12. Review status: criteria provided, single submitter. Criteria: ICSL Variant Classification Criteria 13 December 2019. Collection method: clinical testing. Allele origin: germline.

Illumina Laboratory Services, Illumina
Classification: Benign for Tibial muscular dystrophy. Last evaluated: 2018-01-12. Review status: criteria provided, single submitter. Criteria: ICSL Variant Classification Criteria 13 December 2019. Collection method: clinical testing. Allele origin: germline.
Comment: This variant was observed in the ICSL laboratory as part of a predisposition screen in an ostensibly healthy population. It had not been previously curated by ICSL or reported in the Human Gene Mutation Database (HGMD: prior to June 1st, 2018), and was therefore a candidate for classification through an automated scoring system. Utilizing variant allele frequency, disease prevalence and penetrance estimates, and inheritance mode, an automated score was calculated to assess if this variant is too frequent to cause the disease. Based on the score and internal cut-off values, a variant classified as benign is not then subjected to further curation. The score for this variant resulted in a classification of benign for this disease.

Illumina Laboratory Services, Illumina
Classification: Likely benign for Myopathy, myofibrillar, 9, with early respiratory failure. Last evaluated: 2018-01-12. Review status: criteria provided, single submitter. Criteria: ICSL Variant Classification Criteria 13 December 2019. Collection method: clinical testing. Allele origin: germline.
Comment: This variant was observed in the ICSL laboratory as part of a predisposition screen in an ostensibly healthy population. It had not been previously curated by ICSL or reported in the Human Gene Mutation Database (HGMD: prior to June 1st, 2018), and was therefore a candidate for classification through an automated scoring system. Utilizing variant allele frequency, disease prevalence and penetrance estimates, and inheritance mode, an automated score was calculated to assess if this variant is too frequent to cause the disease. Based on the score and internal cut-off values, a variant classified as likely benign is not then subjected to further curation. The score for this variant resulted in a classification of likely benign for this disease.

Illumina Laboratory Services, Illumina
Classification: Uncertain significance for Autosomal recessive limb-girdle muscular dystrophy type 2J. Last evaluated: 2018-01-12. Review status: criteria provided, single submitter. Criteria: ICSL Variant Classification Criteria 13 December 2019. Collection method: clinical testing. Allele origin: germline.

GeneDx
Classification: Benign. Last evaluated: 2014-06-16. Review status: criteria provided, single submitter. Criteria: GeneDx Variant Classification (06012015). Collection method: clinical testing. Allele origin: germline. Affected: yes.
Comment: This variant is considered likely benign or benign based on one or more of the following criteria: it is a conservative change, it occurs at a poorly conserved position in the protein, it is predicted to be benign by multiple in silico algorithms, and/or has population frequency not consistent with disease.

Laboratory for Molecular Medicine, Mass General Brigham Personalized Medicine
Classification: Likely benign. Last evaluated: 2012-03-19. Review status: criteria provided, single submitter. Criteria: LMM Criteria. Collection method: clinical testing. Allele origin: germline. Observed: 1 variant allele.
Comment: Asn6412Asn in exon 76 of TTN: This variant is not expected to have clinical sign ificance because it does not alter an amino acid residue and is not located with in the splice consensus sequence. It has been identified in 1/6722 European Amer ican chromosomes from a broad population by the NHLBI Exome Sequencing Project. Asn6412Asn in exon 76 of TTN (allele frequen cy = 1/6722) **